The following is an entry in ClinVar:

ClinVar aggregate classification (germline): Pathogenic/Likely pathogenic. Review status: criteria provided, multiple submitters, no conflicts (2 of 4 stars). 6 submissions from 6 submitters: Pathogenic (4); Likely pathogenic (1). 1 of the submissions does not count toward it. Last evaluated 2025-06-20.

Conditions:
COL17A1-related disorder. Also called: COL17A1-related condition.
Epithelial recurrent erosion dystrophy (ERED). Also called: CORNEAL EROSIONS, RECURRING HEREDITARY. Identifiers: Orphanet 293381, MedGen C1852551, MONDO:0007381, OMIM 122400.
Epidermolysis bullosa, junctional 4, intermediate. Also called: EPIDERMOLYSIS BULLOSA, JUNCTIONAL 4, NON-HERLITZ TYPE; EPIDERMOLYSIS BULLOSA, GENERALIZED ATROPHIC BENIGN; Epidermolysis bullosa, junctional, localisata variant. Identifiers: MedGen C2608084, MONDO:0030750, OMIM 619787.

Submissions (6):

GeneDx
Classification: Pathogenic. Last evaluated: 2025-06-20. Review status: criteria provided, single submitter. Criteria: GeneDx Variant Classification Process June 2021. Collection method: clinical testing. Allele origin: germline. Affected: yes.
Comment: Frameshift variant predicted to result in protein truncation or nonsense mediated decay in a gene for which loss of function is a known mechanism of disease; Not observed at significant frequency in large population cohorts (gnomAD); This variant is associated with the following publications: (PMID: 16439963, 30755392)

Fulgent Genetics
Classification: Likely pathogenic for Epithelial recurrent erosion dystrophy; Epidermolysis bullosa, junctional 4, intermediate. Last evaluated: 2024-06-05. Review status: criteria provided, single submitter. Criteria: ACMG Guidelines, 2015. Collection method: clinical testing. Allele origin: germline.

Breakthrough Genomics
Classification: Pathogenic for Epithelial recurrent erosion dystrophy. Last evaluated: 2024-04-02. Review status: criteria provided, single submitter. Criteria: ACMG Guidelines, 2015. Collection method: clinical testing. Allele origin: germline. Affected: yes.
Comment: This variant has been previously reported in the homozygous state in individuals with severe junctional epidermolysis bullosa [PubMed ID: 16439963, 30755392]. Loss-of-function variants in the COL17A1 gene are known to be pathogenic [PMID: 16473856, 17344927, 20301304, 21357940, 24319098].

Labcorp Genetics (formerly Invitae), Labcorp
Classification: Pathogenic. Last evaluated: 2024-02-29. Review status: criteria provided, single submitter. Criteria: Invitae Variant Classification Sherloc (09022015). Collection method: clinical testing. Allele origin: germline.
Comment: This sequence change creates a premature translational stop signal (p.Glu1382Alafs*40) in the COL17A1 gene. It is expected to result in an absent or disrupted protein product. Loss-of-function variants in COL17A1 are known to be pathogenic (PMID: 16473856, 17344927, 20301304, 21357940, 24319098). This variant is present in population databases (rs765243124, gnomAD 0.0009%). This premature translational stop signal has been observed in individual(s) with clinical features of junctional epidermolysis bullosa (PMID: 16439963, 30755392). This variant is also known as 4144del4. ClinVar contains an entry for this variant (Variation ID: 599000). For these reasons, this variant has been classified as Pathogenic.

Center for Personalized Medicine, Children's Hospital Los Angeles
Classification: Pathogenic. Last evaluated: 2018-11-19. Review status: criteria provided, single submitter. Criteria: ACMG Guidelines, 2015. Collection method: clinical testing. Allele origin: germline. Affected: yes.

PreventionGenetics, part of Exact Sciences
Classification: Pathogenic for COL17A1-related condition. Last evaluated: 2024-08-26. Review status: no assertion criteria provided. Collection method: clinical testing. Allele origin: germline. Not counted in ClinVar's aggregate classification.
Comment: The COL17A1 c.4145_4148delAGAG variant is predicted to result in a frameshift and premature protein termination (p.Glu1382Alafs*40). This variant has been previously reported in the homozygous state in individuals with severe junctional epidermolysis bullosa (Abu Sa'd et al. 2006. PubMed ID: 16439963, reported as 4144del4; Ji et al. 2019. PubMed ID: 30755392). This variant is reported in 0.00088% of alleles in individuals of European (Non-Finnish) descent in gnomAD. Frameshift variants in COL17A1 are expected to be pathogenic. This variant is interpreted as pathogenic.

Literature cited by the submitters: PubMed 16473856 (cited by Labcorp Genetics (formerly Invitae), Labcorp); PubMed 17344927 (cited by Labcorp Genetics (formerly Invitae), Labcorp); PubMed 20301304 (cited by Labcorp Genetics (formerly Invitae), Labcorp); PubMed 21357940 (cited by Labcorp Genetics (formerly Invitae), Labcorp); PubMed 24319098 (cited by Labcorp Genetics (formerly Invitae), Labcorp); PubMed 16439963 (cited by Labcorp Genetics (formerly Invitae), Labcorp); PubMed 30755392 (cited by Labcorp Genetics (formerly Invitae), Labcorp).

NM_000494.4(COL17A1):c.4145_4148del (p.Glu1382fs)

Gene: COL17A1 (collagen type XVII alpha 1 chain; minus strand). Cytogenetic location: 10q25.1.
Variant type: Microsatellite.
Coding change: c.4145_4148del on transcript NM_000494.4 (MANE Select); coding-DNA positions 4145 to 4148, 4 bases deleted (AGAG; older notation c.4145_4148delAGAG).
Protein change: p.Glu1382fs; shifts the reading frame from glutamic acid 1382.
Molecular consequence: frameshift variant.
Genome position (GRCh38, 1-based): chr10:104,033,953-104,033,956, CTCT deleted on the plus strand (AGAG on the coding strand, the reverse complement: COL17A1 is on the minus strand); deleting any 4 consecutive bases within chr10:104,033,953-104,033,958 gives the same sequence; the c. name uses the placement nearest the transcript's 3' end. VCF-style (leftmost placement, unchanged base first): chr10-104033952-GCTCT-G. GRCh37 (hg19) VCF-style: chr10-105793710-GCTCT-G.
Other names: p.Glu1382AlafsTer40; c.4145_4148delAGAG (NM_000494.3, NM_000494.4); short protein forms E1382fs.
Identifiers: ClinVar variation 599000 (VCV000599000.16), dbSNP rs765243124, ClinGen allele CA5677708.